The following is an entry in ClinVar:

ClinVar aggregate classification (germline): Uncertain significance (1 of 4 stars; one submission).

Conditions:
Familial hemophagocytic lymphohistiocytosis 3 (FHL3). Also called: UNC13D-Related Familial Hemophagocytic Lymphohistiocytosis (UNC13D-fHLH). Identifiers: Orphanet 540, MedGen C1837174, MONDO:0012146, OMIM 608898.

Allele frequency attached by ClinVar (database versions not stated): gnomAD 0.00005; TOPMed 0.00006; ESP Exome Variant Server 0.00008.
gnomAD v4.1: 81 of 1,612,674 alleles (0.005%); highest among the groups gnomAD compares: Non-Finnish European, 0.0066%; no homozygotes.

Submission:

Labcorp Genetics (formerly Invitae), Labcorp
Classification: Uncertain significance for Familial hemophagocytic lymphohistiocytosis 3. Last evaluated: 2022-06-18. Review status: criteria provided, single submitter. Criteria: Invitae Variant Classification Sherloc (09022015). Collection method: clinical testing. Allele origin: germline.
Comment: This sequence change replaces arginine, which is basic and polar, with glycine, which is neutral and non-polar, at codon 607 of the UNC13D protein (p.Arg607Gly). This variant is present in population databases (rs374106771, gnomAD 0.003%). This variant has not been reported in the literature in individuals affected with UNC13D-related conditions. Algorithms developed to predict the effect of missense changes on protein structure and function are either unavailable or do not agree on the potential impact of this missense change (SIFT: "Not Available"; PolyPhen-2: "Possibly Damaging"; Align-GVGD: "Not Available"). In summary, the available evidence is currently insufficient to determine the role of this variant in disease. Therefore, it has been classified as a Variant of Uncertain Significance.

NM_199242.3(UNC13D):c.1819C>G (p.Arg607Gly)

Gene: UNC13D (unc-13 homolog D; minus strand). Cytogenetic location: 17q25.1.
Variant type: single nucleotide variant.
Coding change: c.1819C>G on transcript NM_199242.3 (MANE Select); coding-DNA position 1819, C replaced by G.
Protein change: p.Arg607Gly; replaces arginine 607 with glycine.
Molecular consequence: missense variant.
Genome position (GRCh38, 1-based): chr17:75,835,438, G>C on the plus strand (C>G on the coding strand, the complement: UNC13D is on the minus strand). VCF-style: chr17-75835438-G-C. GRCh37 (hg19) VCF-style: chr17-73831519-G-C.
Other names: short protein forms R607G.
Identifiers: ClinVar variation 1409793 (VCV001409793.5), dbSNP rs374106771, ClinGen allele CA294086694.
Genomic context (GRCh38, chr17:75,835,438, plus strand): 5'-GCCCCGCCCCCTGCCCTGGCCACGCCCCCACCTCATCCATCTGCACAGCGCGCTGCACCC[G>C]CGCCAGGGCCTCGTTGTACGTCTTCTGCAGCCAGGAGGGGATGGCCGGCTGGAACCAGCG-3'
Protein context (NP_954712.1, residues 597-617): LQKTYNEALA[Arg607Gly]VQRAVQMDEL